The following is an entry in ClinVar:

NM_004320.6(ATP2A1):c.1912C>T (p.Arg638Ter)

Gene: ATP2A1 (ATPase sarcoplasmic/endoplasmic reticulum Ca2+ transporting 1; plus strand). Cytogenetic location: 16p11.2.
Variant type: single nucleotide variant.
Coding change: c.1912C>T on transcript NM_004320.6 (MANE Select); coding-DNA position 1912, C replaced by T.
Protein change: p.Arg638Ter; replaces arginine 638 with a stop codon.
Molecular consequence: nonsense.
Genome position (GRCh38, 1-based): chr16:28,900,728, C>T. VCF-style: chr16-28900728-C-T. GRCh37 (hg19) VCF-style: chr16-28912049-C-T.
Other names: c.1537C>T, p.Arg513Ter (NM_001286075.2); c.1912C>T, p.Arg638Ter (NM_173201.5); short protein forms R513*, R638*.
Identifiers: ClinVar variation 1938875 (VCV001938875.5), dbSNP rs201738416, ClinGen allele CA7987114.

ClinVar aggregate classification (germline): Pathogenic (1 of 4 stars; one submission).

Conditions:
Brody myopathy. Also called: BRODY DISEASE. Identifiers: Orphanet 53347, MedGen C1832918, MONDO:0010977, OMIM 601003.

Allele frequency attached by ClinVar (database versions not stated): TOPMed below 0.00001; ExAC 0.00001; gnomAD 0.00001; gnomAD exomes 0.00001; 1000 Genomes Project 30x 0.00016; 1000 Genomes Project 0.00020.
gnomAD v4.1: 9 of 1,614,148 alleles (0.00056%); highest among the groups gnomAD compares: East Asian, 0.0022%; no homozygotes.

Submission:

Labcorp Genetics (formerly Invitae), Labcorp
Classification: Pathogenic for Brody myopathy. Last evaluated: 2022-07-22. Review status: criteria provided, single submitter. Criteria: Invitae Variant Classification Sherloc (09022015). Collection method: clinical testing. Allele origin: germline.
Comment: For these reasons, this variant has been classified as Pathogenic. This variant has not been reported in the literature in individuals affected with ATP2A1-related conditions. This variant is present in population databases (rs201738416, gnomAD 0.0009%). This sequence change creates a premature translational stop signal (p.Arg638*) in the ATP2A1 gene. It is expected to result in an absent or disrupted protein product. Loss-of-function variants in ATP2A1 are known to be pathogenic (PMID: 8841193, 10914677, 23911890).

Literature cited by the submitters: PubMed 8841193; PubMed 10914677; PubMed 23911890.